The following is an entry in ClinVar:

NM_025257.3(SLC44A4):c.698T>C (p.Leu233Pro)

Gene: SLC44A4 (solute carrier family 44 member 4; minus strand). Cytogenetic location: 6p21.33.
Variant type: single nucleotide variant.
Coding change: c.698T>C on transcript NM_025257.3 (MANE Select); coding-DNA position 698, T replaced by C.
Protein change: p.Leu233Pro; replaces leucine 233 with proline.
Molecular consequence: missense variant.
Genome position (GRCh38, 1-based): chr6:31,871,317, A>G on the plus strand (T>C on the coding strand, the complement: SLC44A4 is on the minus strand). VCF-style: chr6-31871317-A-G. GRCh37 (hg19) VCF-style: chr6-31839094-A-G.
Other names: c.572T>C, p.Leu191Pro (NM_001178044.2); c.470T>C, p.Leu157Pro (NM_001178045.2); c.698T>C, p.Leu233Pro (NM_032794.1); short protein forms L157P, L191P, L233P.
Identifiers: ClinVar variation 2045782 (VCV002045782.4), dbSNP rs755569262, ClinGen allele CA3725613.
Genomic context (GRCh38, chr6:31,871,317, plus strand): 5'-AGAGGATCAGGGAGGAAGAAGGCAAGGACACAAGAGGAGGGGAATCTGGTGACTCACACA[A>G]GAATCCAATACCAGGACTGGGCAAAATCTTCAAAGATCTTAACACTGATGTCTCGGGCAT-3'
Protein context (NP_079533.2, residues 223-243): EDFAQSWYWI[Leu233Pro]VALGVALVLS

ClinVar aggregate classification (germline): Uncertain significance (1 of 4 stars; one submission).

Allele frequency attached by ClinVar (database versions not stated): ExAC 0.00001; gnomAD 0.00001.
gnomAD v4.1: 5 of 1,613,782 alleles (0.00031%); highest among the groups gnomAD compares: Admixed American, 0.0083%; no homozygotes.

Submission:

Labcorp Genetics (formerly Invitae), Labcorp
Classification: Uncertain significance. Last evaluated: 2022-07-30. Review status: criteria provided, single submitter. Criteria: Invitae Variant Classification Sherloc (09022015). Collection method: clinical testing. Allele origin: germline.
Comment: This sequence change replaces leucine, which is neutral and non-polar, with proline, which is neutral and non-polar, at codon 233 of the SLC44A4 protein (p.Leu233Pro). In summary, the available evidence is currently insufficient to determine the role of this variant in disease. Therefore, it has been classified as a Variant of Uncertain Significance. Algorithms developed to predict the effect of missense changes on protein structure and function are either unavailable or do not agree on the potential impact of this missense change (SIFT: "Not Available"; PolyPhen-2: "Probably Damaging"; Align-GVGD: "Not Available"). This variant has not been reported in the literature in individuals affected with SLC44A4-related conditions. This variant is present in population databases (rs755569262, gnomAD 0.01%).